The following is an entry in ClinVar:

NM_182641.4(BPTF):c.1354A>T (p.Asn452Tyr)

Gene: BPTF (bromodomain PHD finger transcription factor; plus strand). Cytogenetic location: 17q24.2.
Variant type: single nucleotide variant.
Coding change: c.1354A>T on transcript NM_182641.4 (MANE Select); coding-DNA position 1354, A replaced by T.
Protein change: p.Asn452Tyr; replaces asparagine 452 with tyrosine.
Molecular consequence: missense variant.
Genome position (GRCh38, 1-based): chr17:67,854,680, A>T. VCF-style: chr17-67854680-A-T. GRCh37 (hg19) VCF-style: chr17-65850796-A-T.
Other names: c.1354A>T, p.Asn452Tyr (NM_004459.7); short protein forms N452Y.
Identifiers: ClinVar variation 1304727 (VCV001304727.5), dbSNP rs2058589015, ClinGen allele CA400721725.

ClinVar aggregate classification (germline): Uncertain significance. Review status: criteria provided, multiple submitters, no conflicts (2 of 4 stars). 2 submissions from 2 submitters: Uncertain significance (2). Last evaluated 2025-02-11.

Allele frequency attached by ClinVar (database versions not stated): gnomAD 0.00001.
gnomAD v4.1: 1 of 1,614,144 alleles (0.000062%); highest among the groups gnomAD compares: African/African-American, 0.0013%; no homozygotes.

Submissions (2):

Labcorp Genetics (formerly Invitae), Labcorp
Classification: Uncertain significance. Last evaluated: 2025-02-11. Review status: criteria provided, single submitter. Criteria: Invitae Variant Classification Sherloc (09022015). Collection method: clinical testing. Allele origin: germline.
Comment: This sequence change replaces asparagine, which is neutral and polar, with tyrosine, which is neutral and polar, at codon 452 of the BPTF protein (p.Asn452Tyr). This variant is not present in population databases (gnomAD no frequency). This variant has not been reported in the literature in individuals affected with BPTF-related conditions. ClinVar contains an entry for this variant (Variation ID: 1304727). An algorithm developed to predict the effect of missense changes on protein structure and function (PolyPhen-2) suggests that this variant is likely to be disruptive. In summary, the available evidence is currently insufficient to determine the role of this variant in disease. Therefore, it has been classified as a Variant of Uncertain Significance.

GeneDx
Classification: Uncertain significance. Last evaluated: 2023-10-02. Review status: criteria provided, single submitter. Criteria: GeneDx Variant Classification Process June 2021. Collection method: clinical testing. Allele origin: germline. Affected: yes.
Comment: Not observed at significant frequency in large population cohorts (gnomAD); In silico analysis supports that this missense variant has a deleterious effect on protein structure/function; Has not been previously published as pathogenic or benign to our knowledge